The following is an entry in ClinVar:

ClinVar aggregate classification (germline): Benign/Likely benign. Review status: criteria provided, multiple submitters, no conflicts (2 of 4 stars). 3 submissions from 3 submitters: Benign (1); Likely benign (2). Last evaluated 2026-06-01.

Conditions:
Hereditary spastic paraplegia 75. Also called: Spastic paraplegia 75, autosomal recessive. Identifiers: Orphanet 459056, MedGen C4225250, MONDO:0014729, OMIM 616680.

Allele frequency attached by ClinVar (database versions not stated): gnomAD 0.00004 and 0.00036; TOPMed 0.00011; gnomAD exomes 0.00137; ExAC 0.00156; 1000 Genomes Project 30x 0.00187; 1000 Genomes Project 0.00220.
gnomAD v4.1: 1,072 of 1,613,916 alleles (0.066%); highest among the groups gnomAD compares: South Asian, 1.1%; 10 homozygotes.

Submissions (3):

CeGaT Center for Human Genetics Tuebingen
Classification: Likely benign. Last evaluated: 2026-06-01. Review status: criteria provided, single submitter. Criteria: CeGaT Center For Human Genetics Tuebingen Variant Classification Criteria Version 2. Collection method: clinical testing. Allele origin: germline. Affected: yes. Observed: 1 variant allele.
Comment: MAG: BP4, BS1

Labcorp Genetics (formerly Invitae), Labcorp
Classification: Benign for Hereditary spastic paraplegia 75. Last evaluated: 2025-12-09. Review status: criteria provided, single submitter. Criteria: Invitae Variant Classification Sherloc (09022015). Collection method: clinical testing. Allele origin: germline.

Blueprint Genetics
Classification: Likely benign. Last evaluated: 2024-11-07. Review status: criteria provided, single submitter. Criteria: ACMG Guidelines, 2015. Collection method: clinical testing. Allele origin: germline.

NM_002361.4(MAG):c.971-4G>A

Gene: MAG (myelin associated glycoprotein; plus strand). Cytogenetic location: 19q13.12.
Variant type: single nucleotide variant.
Coding change: c.971-4G>A on transcript NM_002361.4 (MANE Select); 4 bases into the intron before coding-DNA position 971, G replaced by A.
Molecular consequence: intron variant.
Genome position (GRCh38, 1-based): chr19:35,302,444, G>A. VCF-style: chr19-35302444-G-A. GRCh37 (hg19) VCF-style: chr19-35793347-G-A.
Other names: c.971-4G>A (NM_080600.3); c.896-4G>A (NM_001199216.2).
Identifiers: ClinVar variation 1530523 (VCV001530523.11), dbSNP rs201450065, ClinGen allele CA9376152.